The following is an entry in ClinVar:

ClinVar aggregate classification (germline): Pathogenic (1 of 4 stars; one submission).

Submission:

Labcorp Genetics (formerly Invitae), Labcorp
Classification: Pathogenic. Last evaluated: 2024-01-18. Review status: criteria provided, single submitter. Criteria: Invitae Variant Classification Sherloc (09022015). Collection method: clinical testing. Allele origin: germline.
Comment: This sequence change results in a frameshift in the TCIRG1 gene (p.Ile758Metfs*79). While this is not anticipated to result in nonsense mediated decay, it is expected to disrupt the last 73 amino acid(s) of the TCIRG1 protein and extend the protein by 5 additional amino acid residues. This variant is not present in population databases (gnomAD no frequency). This variant has not been reported in the literature in individuals affected with TCIRG1-related conditions. This variant disrupts a region of the TCIRG1 protein in which other variant(s) (p.Ala796Leufs*34) have been determined to be pathogenic (PMID: 30537558; Invitae). This suggests that this is a clinically significant region of the protein, and that variants that disrupt it are likely to be disease-causing. For these reasons, this variant has been classified as Pathogenic.

Literature cited by the submitters: PubMed 30537558.

NM_006019.4(TCIRG1):c.2255_2273dup (p.Ile758fs)

Gene: TCIRG1 (T cell immune regulator 1, ATPase H+ transporting V0 subunit a3; plus strand). Cytogenetic location: 11q13.2.
Variant type: Duplication.
Coding change: c.2255_2273dup on transcript NM_006019.4 (MANE Select); coding-DNA positions 2255 to 2273, 19 bases duplicated (GGGCCATGGTGATGCGCAT).
Protein change: p.Ile758fs; shifts the reading frame from isoleucine 758.
Molecular consequence: frameshift variant.
Genome position (GRCh38, 1-based): chr11:68,050,505-68,050,523, GGGCCATGGTGATGCGCAT duplicated; duplicating any 19 consecutive bases within chr11:68,050,504-68,050,523 gives the same sequence; the c. name uses the placement nearest the transcript's 3' end. VCF-style (leftmost placement, unchanged base first): chr11-68050503-G-GTGGGCCATGGTGATGCGCA. GRCh37 (hg19) VCF-style: chr11-67817970-G-GTGGGCCATGGTGATGCGCA.
Other names: c.1361_1379dup, p.Ile460fs (NM_001351059.2); c.1607_1625dup, p.Ile542fs (NM_006053.4); short protein forms I542fs, I758fs, I460fs.
Identifiers: ClinVar variation 2710088 (VCV002710088.3), dbSNP rs2495670898, ClinGen allele CA2697548737.
Genomic context (GRCh38, chr11:68,050,503, plus strand): 5'-GGCACCCACTTGCCGTTGGCCCCCACTGTCTCCTTTGCTTGCAGAGCTGTCCGAGGTTCT[G>GTGGGCCATGGTGATGCGCA]TGGGCCATGGTGATGCGCATAGGCCTGGGCCTGGGCCGGGAGGTGGGCGTGGCGGCTGTG-3'